The following is an entry in ClinVar:

NM_032193.4(RNASEH2C):c.437G>C (p.Gly146Ala)

Gene: RNASEH2C (ribonuclease H2 subunit C; minus strand). Cytogenetic location: 11q13.1.
Variant type: single nucleotide variant.
Coding change: c.437G>C on transcript NM_032193.4 (MANE Select); coding-DNA position 437, G replaced by C.
Protein change: p.Gly146Ala; replaces glycine 146 with alanine.
Molecular consequence: missense variant.
Genome position (GRCh38, 1-based): chr11:65,720,076, C>G on the plus strand (G>C on the coding strand, the complement: RNASEH2C is on the minus strand). VCF-style: chr11-65720076-C-G. GRCh37 (hg19) VCF-style: chr11-65487547-C-G.
Other names: short protein forms G146A.
Identifiers: ClinVar variation 2123389 (VCV002123389.1), dbSNP rs763128012, ClinGen allele CA381297471.

ClinVar aggregate classification (germline): Uncertain significance (1 of 4 stars; one submission).

Conditions:
Aicardi-Goutieres syndrome 3. Identifiers: Orphanet 51, MedGen C1835916, MONDO:0012471, OMIM 610329.

gnomAD v4.1: 1 of 1,614,092 alleles (0.000062%); highest among the groups gnomAD compares: African/African-American, 0.0013%; no homozygotes.

Submission:

Labcorp Genetics (formerly Invitae), Labcorp
Classification: Uncertain significance for Aicardi-Goutieres syndrome 3. Last evaluated: 2022-04-08. Review status: criteria provided, single submitter. Criteria: Invitae Variant Classification Sherloc (09022015). Collection method: clinical testing. Allele origin: germline.
Comment: This sequence change replaces glycine, which is neutral and non-polar, with alanine, which is neutral and non-polar, at codon 146 of the RNASEH2C protein (p.Gly146Ala). This variant is not present in population databases (gnomAD no frequency). This variant has not been reported in the literature in individuals affected with RNASEH2C-related conditions. Algorithms developed to predict the effect of missense changes on protein structure and function output the following: SIFT: "Tolerated"; PolyPhen-2: "Benign"; Align-GVGD: "Class C0". The alanine amino acid residue is found in multiple mammalian species, which suggests that this missense change does not adversely affect protein function. In summary, the available evidence is currently insufficient to determine the role of this variant in disease. Therefore, it has been classified as a Variant of Uncertain Significance.